The following is an entry in ClinVar:

NC_000015.10:g.22608153G>A

Variant type: single nucleotide variant.
Genome position: GRCh38 VCF-style: chr15-22608153-G-A. GRCh37 (hg19) VCF-style: chr15-23264943-C-T.
Identifiers: ClinVar variation 2644959 (VCV002644959.24), dbSNP rs200651690, ClinGen allele CA7426803.

ClinVar aggregate classification (germline): Likely benign (1 of 4 stars; one submission).

Submission:

CeGaT Center for Human Genetics Tuebingen
Classification: Likely benign. Last evaluated: 2023-02-01. Review status: criteria provided, single submitter. Criteria: CeGaT Center For Human Genetics Tuebingen Variant Classification Criteria Version 2. Collection method: clinical testing. Allele origin: germline. Affected: yes. Observed: 1 variant allele.
Comment: GOLGA8IP: BP4, BS2